The following is an entry in ClinVar:

NM_005502.4(ABCA1):c.1635C>T (p.Ser545=)

Gene: ABCA1 (ATP binding cassette subfamily A member 1; minus strand). Cytogenetic location: 9q31.1.
Variant type: single nucleotide variant.
Coding change: c.1635C>T on transcript NM_005502.4 (MANE Select); coding-DNA position 1635, C replaced by T.
Protein change: p.Ser545=; no amino-acid change (serine 545 retained).
Molecular consequence: synonymous variant.
Genome position (GRCh38, 1-based): chr9:104,831,702, G>A on the plus strand (C>T on the coding strand, the complement: ABCA1 is on the minus strand). VCF-style: chr9-104831702-G-A. GRCh37 (hg19) VCF-style: chr9-107593983-G-A.
Other names: p.Ser545=.
Identifiers: ClinVar variation 364443 (VCV000364443.21), dbSNP rs9282539, ClinGen allele CA5168964.

ClinVar aggregate classification (germline): Benign/Likely benign. Review status: criteria provided, multiple submitters, no conflicts (2 of 4 stars). 9 submissions from 8 submitters: Benign (5); Likely benign (3). 1 of the submissions does not count toward it. Last evaluated 2026-01-27.

Conditions:
ABCA1-related disorder. Also called: ABCA1-related condition; ABCA1-related disorders. Identifiers: MedGen CN239173.
Cardiovascular phenotype. Identifiers: MedGen CN230736.
Hypoalphalipoproteinemia, primary, 1. Identifiers: Orphanet 425, MedGen C5231558, MONDO:0011393, OMIM 604091.
Tangier disease (TGD). Also called: Cholesterol thesaurismosis; HIGH DENSITY LIPOPROTEIN DEFICIENCY, TANGIER TYPE; HIGH DENSITY LIPOPROTEIN DEFICIENCY, TYPE 1. Identifiers: Orphanet 31150, MedGen C0039292, MONDO:0008783, OMIM 205400.

Allele frequency attached by ClinVar (database versions not stated): gnomAD exomes 0.00080 and 0.00212; ExAC 0.00256; 1000 Genomes Project 0.00499; 1000 Genomes Project 30x 0.00562; gnomAD 0.00810 and 0.00886; ESP Exome Variant Server 0.00907; TOPMed 0.00932.
gnomAD v4.1: 2,477 of 1,614,188 alleles (0.15%); highest among the groups gnomAD compares: African/African-American, 2.7%; 32 homozygotes.

Submissions (9):

Labcorp Genetics (formerly Invitae), Labcorp
Classification: Benign. Last evaluated: 2026-01-27. Review status: criteria provided, single submitter. Criteria: Invitae Variant Classification Sherloc (09022015). Collection method: clinical testing. Allele origin: germline.

Mayo Clinic Laboratories, Mayo Clinic
Classification: Benign. Last evaluated: 2025-06-09. Review status: criteria provided, single submitter. Criteria: ACMG Guidelines, 2015. Collection method: clinical testing. Allele origin: germline. Observed: 1 variant allele.
Comment: BS1, BS2, BP4, BP7

GeneDx
Classification: Likely benign. Last evaluated: 2021-03-25. Review status: criteria provided, single submitter. Criteria: GeneDx Variant Classification Process June 2021. Collection method: clinical testing. Allele origin: germline. Affected: yes.

Ambry Genetics
Classification: Likely benign for Cardiovascular phenotype. Last evaluated: 2019-09-28. Review status: criteria provided, single submitter. Criteria: Ambry Variant Classification Scheme 2023. Collection method: clinical testing. Allele origin: germline.

Illumina Laboratory Services, Illumina
Classification: Benign for Hypoalphalipoproteinemia, primary, 1. Last evaluated: 2018-01-13. Review status: criteria provided, single submitter. Criteria: ICSL Variant Classification Criteria 13 December 2019. Collection method: clinical testing. Allele origin: germline.
Comment: This variant was observed in the ICSL laboratory as part of a predisposition screen in an ostensibly healthy population. It had not been previously curated by ICSL or reported in the Human Gene Mutation Database (HGMD: prior to June 1st, 2018), and was therefore a candidate for classification through an automated scoring system. Utilizing variant allele frequency, disease prevalence and penetrance estimates, and inheritance mode, an automated score was calculated to assess if this variant is too frequent to cause the disease. Based on the score and internal cut-off values, a variant classified as benign is not then subjected to further curation. The score for this variant resulted in a classification of benign for this disease.

Illumina Laboratory Services, Illumina
Classification: Benign for Tangier disease. Last evaluated: 2018-01-13. Review status: criteria provided, single submitter. Criteria: ICSL Variant Classification Criteria 13 December 2019. Collection method: clinical testing. Allele origin: germline.
Comment: the same text as in the submission from Illumina Laboratory Services, Illumina above.

Women's Health and Genetics/Laboratory Corporation of America, LabCorp
Classification: Benign. Last evaluated: 2017-10-23. Review status: criteria provided, single submitter. Criteria: LabCorp Variant Classification Summary - May 2015. Collection method: clinical testing. Allele origin: germline.
Comment: Variant summary: The ABCA1 c.1635C>T (p.Ser545Ser) variant involves the alteration of a non-conserved nucleotide, resulting in a synonymous change. One in silico tool predicts a benign outcome for this variant. 5/5 splice prediction tools predict no significant impact on normal splicing. ESE finder predicts no effect on ESE binding. However, these predictions have yet to be confirmed by functional studies. This variant was found in 737/277230 control chromosomes at a frequency of 0.0026584, which is approximately 213 times the estimated maximal expected allele frequency of a pathogenic ABCA1 variant (0.0000125), suggesting this variant is likely a benign polymorphism. In addition, one other clinical diagnostic laboratory classified this variant as likely benign. The variant of interest has not, to our knowledge, been reported in affected individuals via publications; nor evaluated for functional impact by in vivo/vitro studies. Taken together, this variant is classified as benign.

Breakthrough Genomics
Classification: Likely benign. Review status: criteria provided, single submitter. Criteria: ACMG Guidelines, 2015. Collection method: not provided. Allele origin: germline. Inheritance: Autosomal recessive inheritance. Affected: yes.

PreventionGenetics, part of Exact Sciences
Classification: Benign for ABCA1-related condition. Last evaluated: 2024-01-08. Review status: no assertion criteria provided. Collection method: clinical testing. Allele origin: germline. Not counted in ClinVar's aggregate classification.
Comment: This variant is classified as benign based on ACMG/AMP sequence variant interpretation guidelines (Richards et al. 2015 PMID: 25741868, with internal and published modifications).